The following is an entry in ClinVar:

NM_130839.5(UBE3A):c.1850_1851delinsTC (p.Gly617Val)

Genes: SNHG14 (small nucleolar RNA host gene 14; plus strand), UBE3A (ubiquitin protein ligase E3A; minus strand). Cytogenetic location: 15q11.2.
Variant type: Indel.
Coding change: c.1850_1851delinsTC on transcript NM_130839.5 (MANE Select); coding-DNA positions 1850 to 1851, GT replaced by TC.
Protein change: p.Gly617Val; replaces glycine 617 with valine.
Molecular consequence: missense variant. On other transcripts: non-coding transcript variant (1).
Genome position (GRCh38, 1-based): chr15:25,356,799-25,356,800, AC replaced by GA on the plus strand (GT replaced by TC on the coding strand, the reverse complement: UBE3A is on the minus strand). VCF-style: chr15-25356799-AC-GA. GRCh37 (hg19) VCF-style: chr15-25601946-AC-GA.
Other names: c.1859_1860delinsTC, p.Gly620Val (NM_000462.5); c.1850_1851delinsTC, p.Gly617Val (NM_001354505.1, NM_001354538.2, NM_001354545.2); c.1790_1791delinsTC, p.Gly597Val (NM_001354506.2, NM_001354507.2, NM_001354508.2 and 17 more transcripts); c.1673_1674delinsTC, p.Gly558Val (NM_001354546.2); c.599_600delinsTC, p.Gly200Val (NM_001354550.2); c.539_540delinsTC, p.Gly180Val (NM_001354551.2); c.1790_1791delGTinsTC, p.Gly597Val (NM_130838.1); short protein forms G180V, G200V, G558V, G597V, G617V, G620V.
Identifiers: ClinVar variation 3900080 (VCV003900080.1).

ClinVar aggregate classification (germline): Uncertain significance (1 of 4 stars; one submission).

Submission:

GeneDx
Classification: Uncertain significance. Last evaluated: 2024-11-20. Review status: criteria provided, single submitter. Criteria: GeneDx Variant Classification Process June 2021. Collection method: clinical testing. Allele origin: germline. Affected: yes.
Comment: Not observed at significant frequency in large population cohorts (gnomAD); In silico analysis supports a deleterious effect on protein structure/function; Has not been previously published as pathogenic or benign to our knowledge